The following is an entry in ClinVar:

NM_016938.5(EFEMP2):c.*403C>G

Genes: EFEMP2 (EGF-like fibulin extracellular matrix protein 2; minus strand), MUS81 (MUS81 structure-specific endonuclease subunit; plus strand). Cytogenetic location: 11q13.1.
Variant type: single nucleotide variant.
Coding change: c.*403C>G on transcript NM_016938.5 (MANE Select); 403 bases downstream of the stop codon, C replaced by G.
Molecular consequence: 3 prime UTR variant. On other transcripts: non-coding transcript variant (1).
Genome position (GRCh38, 1-based): chr11:65,866,515, G>C on the plus strand (C>G on the coding strand, the complement: EFEMP2 is on the minus strand). VCF-style: chr11-65866515-G-C. GRCh37 (hg19) VCF-style: chr11-65633986-G-C.
Identifiers: ClinVar variation 305371 (VCV000305371.6), dbSNP rs77540033, ClinGen allele CA6110309.

ClinVar aggregate classification (germline): Benign. Review status: criteria provided, multiple submitters, no conflicts (2 of 4 stars). 2 submissions from 2 submitters: Benign (2). Last evaluated 2018-01-12.

Conditions:
Cutis laxa, autosomal recessive, type 1B (ARCL1B). Also called: CUTIS LAXA, AUTOSOMAL RECESSIVE, TYPE IB; EFEMP2-Related Cutis Laxa. Identifiers: Orphanet 90349, MedGen C3280798, MONDO:0013754, OMIM 614437. Disease mechanism: loss of function.

Allele frequency attached by ClinVar (database versions not stated): gnomAD exomes 0.00112 and 0.00176; ExAC 0.00116; 1000 Genomes Project 30x 0.00734; 1000 Genomes Project 0.00739; gnomAD 0.00817 and 0.00883; TOPMed 0.00936.
gnomAD v4.1: 1,886 of 702,800 alleles (0.27%); highest among the groups gnomAD compares: African/African-American, 2.9%; 29 homozygotes.

Submissions (2):

Illumina Laboratory Services, Illumina
Classification: Benign for Cutis laxa, autosomal recessive, type 1B. Last evaluated: 2018-01-12. Review status: criteria provided, single submitter. Criteria: ICSL Variant Classification Criteria 13 December 2019. Collection method: clinical testing. Allele origin: germline.
Comment: This variant was observed in the ICSL laboratory as part of a predisposition screen in an ostensibly healthy population. It had not been previously curated by ICSL or reported in the Human Gene Mutation Database (HGMD: prior to June 1st, 2018), and was therefore a candidate for classification through an automated scoring system. Utilizing variant allele frequency, disease prevalence and penetrance estimates, and inheritance mode, an automated score was calculated to assess if this variant is too frequent to cause the disease. Based on the score and internal cut-off values, a variant classified as benign is not then subjected to further curation. The score for this variant resulted in a classification of benign for this disease.

Breakthrough Genomics
Classification: Benign. Review status: criteria provided, single submitter. Criteria: ACMG Guidelines, 2015. Collection method: not provided. Allele origin: germline. Inheritance: Autosomal recessive inheritance. Affected: yes.